The following is an entry in ClinVar:

ClinVar aggregate classification (germline): Uncertain significance (1 of 4 stars; one submission).

Submission:

Labcorp Genetics (formerly Invitae), Labcorp
Classification: Uncertain significance. Last evaluated: 2026-02-02. Review status: criteria provided, single submitter. Criteria: Invitae Variant Classification Sherloc (09022015). Collection method: clinical testing. Allele origin: germline.
Comment: This sequence change replaces glycine, which is neutral and non-polar, with serine, which is neutral and polar, at codon 162 of the SNIP1 protein (p.Gly162Ser). This variant is present in population databases (rs538745308, gnomAD 0.004%). This variant has not been reported in the literature in individuals affected with SNIP1-related conditions. ClinVar contains an entry for this variant (Variation ID: 1395748). Invitae Evidence Modeling of protein sequence and biophysical properties (such as structural, functional, and spatial information, amino acid conservation, physicochemical variation, residue mobility, and thermodynamic stability) indicates that this missense variant is not expected to disrupt SNIP1 protein function with a negative predictive value of 80%. In summary, the available evidence is currently insufficient to determine the role of this variant in disease. Therefore, it has been classified as a Variant of Uncertain Significance.

NM_024700.4(SNIP1):c.484G>A (p.Gly162Ser)

Genes: SNIP1 (Smad nuclear interacting protein 1; minus strand), LOC126805704 (BRD4-independent group 4 enhancer GRCh37_chr1:38005292-38006491; plus strand). Cytogenetic location: 1p34.3.
Variant type: single nucleotide variant.
Coding change: c.484G>A on transcript NM_024700.4 (MANE Select); coding-DNA position 484, G replaced by A.
Protein change: p.Gly162Ser; replaces glycine 162 with serine.
Molecular consequence: missense variant.
Genome position (GRCh38, 1-based): chr1:37,540,599, C>T on the plus strand (G>A on the coding strand, the complement: SNIP1 is on the minus strand). VCF-style: chr1-37540599-C-T. GRCh37 (hg19) VCF-style: chr1-38006200-C-T.
Other names: short protein forms G162S.
Identifiers: ClinVar variation 1395748 (VCV001395748.8), dbSNP rs538745308, ClinGen allele CA771322.
Genomic context (GRCh38, chr1:37,540,599, plus strand): 5'-AAAACTCCCGCTCTTCTTCCTGAGCCTGCAGGTTCTGAGTGTCTCGATCCCGTCCCTGAC[C>T]CTGCCCACTCCCAGGCCTCTCGTTAGACGTTCTCCTTTGGTGGGAATGGCCCCGGTGTCT-3'
Protein context (NP_078976.2, residues 152-172): TSNERPGSGQ[Gly162Ser]QGRDRDTQNL